The following is an entry in ClinVar:

ClinVar aggregate classification (germline): Likely benign. Review status: criteria provided, multiple submitters, no conflicts (2 of 4 stars). 2 submissions from 2 submitters: Likely benign (2). Last evaluated 2022-12-15.

Conditions:
Short-rib thoracic dysplasia 6 with or without polydactyly (SRTD6). Also called: SHORT-RIB THORACIC DYSPLASIA 6 WITH POLYDACTYLY; Majewski Syndrome; SHORT-RIB THORACIC DYSPLASIA 6 WITHOUT POLYDACTYLY; POLYDACTYLY WITH NEONATAL CHONDRODYSTROPHY, TYPE II; SHORT RIB-POLYDACTYLY SYNDROME, TYPE IIA. Identifiers: MedGen C0024507, MONDO:0009894, OMIM 263520.

Allele frequency attached by ClinVar (database versions not stated): gnomAD exomes 0.00001 and 0.00002; ExAC 0.00002; ESP Exome Variant Server 0.00008; gnomAD 0.00013 and 0.00014; TOPMed 0.00019; 1000 Genomes Project 30x 0.00031; 1000 Genomes Project 0.00040.
gnomAD v4.1: 37 of 1,613,522 alleles (0.0023%); highest among the groups gnomAD compares: African/African-American, 0.036%; no homozygotes.

Submissions (2):

Labcorp Genetics (formerly Invitae), Labcorp
Classification: Likely benign for Short-rib thoracic dysplasia 6 with or without polydactyly. Last evaluated: 2022-12-15. Review status: criteria provided, single submitter. Criteria: Invitae Variant Classification Sherloc (09022015). Collection method: clinical testing. Allele origin: germline.

GeneDx
Classification: Likely benign. Last evaluated: 2018-05-29. Review status: criteria provided, single submitter. Criteria: GeneDx Variant Classification (06012015). Collection method: clinical testing. Allele origin: germline. Affected: yes.
Comment: This variant is considered likely benign or benign based on one or more of the following criteria: it is a conservative change, it occurs at a poorly conserved position in the protein, it is predicted to be benign by multiple in silico algorithms, and/or has population frequency not consistent with disease.

NM_001199397.3(NEK1):c.162A>G (p.Val54=)

Gene: NEK1 (NIMA related kinase 1; minus strand). Cytogenetic location: 4q33.
Variant type: single nucleotide variant.
Coding change: c.162A>G on transcript NM_001199397.3 (MANE Select); coding-DNA position 162, A replaced by G.
Protein change: p.Val54=; no amino-acid change (valine 54 retained).
Molecular consequence: synonymous variant. On other transcripts: non-coding transcript variant (2).
Genome position (GRCh38, 1-based): chr4:169,602,060, T>C on the plus strand (A>G on the coding strand, the complement: NEK1 is on the minus strand). VCF-style: chr4-169602060-T-C. GRCh37 (hg19) VCF-style: chr4-170523211-T-C.
Other names: c.162A>G, p.Val54= (NM_001199398.3, NM_001199399.3, NM_001199400.3 and 7 more transcripts).
Identifiers: ClinVar variation 669150 (VCV000669150.9), dbSNP rs369056831, ClinGen allele CA3138101.